The following is an entry in ClinVar:

GRCh38/hg38 21p11.2-q22.3(chr21:7749532-46670405)x3

Genes: AATBC (apoptosis associated transcript in bladder cancer; minus strand), ABCG1 (ATP binding cassette subfamily G member 1; plus strand), ADAMTS1 (ADAM metallopeptidase with thrombospondin type 1 motif 1; minus strand), ADAMTS5 (ADAM metallopeptidase with thrombospondin type 1 motif 5; minus strand), ADARB1 (adenosine deaminase RNA specific B1; plus strand) and 1158 more. Cytogenetic location: 21p11.2-q22.3.
Variant type: copy number gain.
Change: copy number 3 (three copies instead of two) of chr21:7,749,532-46,670,405 (38.92 Mb, GRCh38 coordinates, 1-based), cytogenetic band 21p11.2-q22.3.
Identifiers: ClinVar variation 59246 (VCV000059246.1).

ClinVar aggregate classification (germline): Pathogenic (1 of 4 stars; one submission).

Submission:

ISCA site 17
Classification: Pathogenic. Last evaluated: 2011-08-12. Review status: criteria provided, single submitter. Criteria: Kaminsky et al. (Genet Med. 2011). Collection method: clinical testing. Allele origin: unknown. Affected: yes. Observed: 1 variant allele.
Comment: Copy number variation identified through the course of routine clinical cytogenomic testing in postnatal populations. Clinical assertions have been curated as described in Kaminsky et al. 2011.